The following is an entry in ClinVar:

ClinVar aggregate classification (germline): Likely benign. Review status: criteria provided, multiple submitters, no conflicts (2 of 4 stars). 7 submissions from 7 submitters: Likely benign (7). Last evaluated 2026-01-06.

Conditions:
Cardiomyopathy (CMYO). Also called: Cardiomyopathies. Identifiers: Orphanet 167848, MedGen C0878544, MONDO:0004994, HP:0001638. Inheritance: Various modes of inheritance.
Cardiovascular phenotype. Identifiers: MedGen CN230736.
Hypertrophic cardiomyopathy. Also called: HYPERTROPHIC MYOCARDIOPATHY. Identifiers: Orphanet 217569, MedGen C0007194, MeSH D002312, MONDO:0005045, HP:0001639.

Allele frequency attached by ClinVar (database versions not stated): gnomAD 0.00010 and 0.00009; gnomAD exomes below 0.00001; TOPMed 0.00008.
gnomAD v4.1: 19 of 1,559,434 alleles (0.0012%); highest among the groups gnomAD compares: African/African-American, 0.026%; no homozygotes.

Submissions (7):

Labcorp Genetics (formerly Invitae), Labcorp
Classification: Likely benign for Hypertrophic cardiomyopathy. Last evaluated: 2026-01-06. Review status: criteria provided, single submitter. Criteria: Invitae Variant Classification Sherloc (09022015). Collection method: clinical testing. Allele origin: germline.

Molecular Diagnostic Laboratory for Inherited Cardiovascular Disease, Montreal Heart Institute
Classification: Likely benign. Last evaluated: 2025-04-09. Review status: criteria provided, single submitter. Criteria: ACMG Guidelines, 2015. Collection method: clinical testing. Allele origin: germline. Affected: no.

All of Us Research Program, National Institutes of Health
Classification: Likely benign for Hypertrophic cardiomyopathy. Last evaluated: 2023-11-28. Review status: criteria provided, single submitter. Criteria: ACMG Guidelines, 2015. Collection method: clinical testing. Allele origin: germline. Inheritance: Autosomal dominant inheritance. Observed: 2 variant alleles, 2 heterozygotes.
Comment: This study involves interpretation of variants in research participants for the purpose of population health screening. Participant phenotype was not available at the time of variant classification. Additional details can be found in publication PMID: 35346344, PMCID: PMC8962531

Color Diagnostics, LLC DBA Color Health
Classification: Likely benign for Cardiomyopathy. Last evaluated: 2022-05-05. Review status: criteria provided, single submitter. Criteria: ACMG Guidelines, 2015. Collection method: clinical testing. Allele origin: germline.

CHEO Genetics Diagnostic Laboratory, Children's Hospital of Eastern Ontario
Classification: Likely benign for Cardiomyopathy. Last evaluated: 2021-05-03. Review status: criteria provided, single submitter. Criteria: ACMG Guidelines, 2015. Collection method: clinical testing. Allele origin: germline.

Ambry Genetics
Classification: Likely benign for Cardiovascular phenotype. Last evaluated: 2019-08-14. Review status: criteria provided, single submitter. Criteria: Ambry Variant Classification Scheme 2023. Collection method: clinical testing. Allele origin: germline.

Laboratory for Molecular Medicine, Mass General Brigham Personalized Medicine
Classification: Likely benign. Last evaluated: 2010-12-28. Review status: criteria provided, single submitter. Criteria: LMM Criteria. Collection method: clinical testing. Allele origin: germline. Observed: 1 variant allele.
Comment: This variant is not expected to have clinical significance because it does not a lter an amino acid residue and is not located near a splice junction.

NM_000256.3(MYBPC3):c.402C>T (p.Pro134=)

Gene: MYBPC3 (myosin binding protein C3; minus strand). Cytogenetic location: 11p11.2.
Variant type: single nucleotide variant.
Coding change: c.402C>T on transcript NM_000256.3 (MANE Select); coding-DNA position 402, C replaced by T.
Protein change: p.Pro134=; no amino-acid change (proline 134 retained).
Molecular consequence: synonymous variant.
Genome position (GRCh38, 1-based): chr11:47,350,506, G>A on the plus strand (C>T on the coding strand, the complement: MYBPC3 is on the minus strand). VCF-style: chr11-47350506-G-A. GRCh37 (hg19) VCF-style: chr11-47372057-G-A.
Identifiers: ClinVar variation 42748 (VCV000042748.19), dbSNP rs397516046, ClinGen allele CA015022.
Genomic context (GRCh38, chr11:47,350,506, plus strand): 5'-TGCCCTGGACACGCCCTACCCACGGATCCTGCCCCTCCCTGCCCAGCCCCTCTCACCTTT[G>A]GGACTTGGGGCACTTTCTCCCAGCTCAGCGGCTGGGGCCGGGGCTTCTCCAGGGGCTCCA-3'
Protein context (NP_000247.2, residues 124-144): AAELGESAPS[Pro134=]KGSSSAALNG